The following is an entry in ClinVar:

NM_000232.5(SGCB):c.110A>G (p.Asn37Ser)

Gene: SGCB (sarcoglycan beta; minus strand). Cytogenetic location: 4q12.
Variant type: single nucleotide variant.
Coding change: c.110A>G on transcript NM_000232.5 (MANE Select); coding-DNA position 110, A replaced by G.
Protein change: p.Asn37Ser; replaces asparagine 37 with serine.
Molecular consequence: missense variant.
Genome position (GRCh38, 1-based): chr4:52,033,564, T>C on the plus strand (A>G on the coding strand, the complement: SGCB is on the minus strand). VCF-style: chr4-52033564-T-C. GRCh37 (hg19) VCF-style: chr4-52899730-T-C.
Other names: short protein forms N37S.
Identifiers: ClinVar variation 1441238 (VCV001441238.3), dbSNP rs1156620837, ClinGen allele CA356878062.
Genomic context (GRCh38, chr4:52,033,564, plus strand): 5'-AACCCTGTTTTGTGGAGACGATCTTCATCAATCGGAATGTATCCAGCTTTAAAGTTACTG[T>C]TGTGCTCTTTATTGACACTCCTTCTCTCAACAGCCTTCTCACGCATGGACTTCTTTACAG-3'
Protein context (NP_000223.1, residues 27-47): VERRSVNKEH[Asn37Ser]SNFKAGYIPI

ClinVar aggregate classification (germline): Uncertain significance (1 of 4 stars; one submission).

Conditions:
Autosomal recessive limb-girdle muscular dystrophy type 2E (LGMDR4). Also called: MUSCULAR DYSTROPHY, LIMB-GIRDLE, AUTOSOMAL RECESSIVE 4. Identifiers: Orphanet 119, MedGen C1858593, MONDO:0011423, OMIM 604286. Disease mechanism: Affects gamma-sarcoglycan and also disrupts the integrity of the entire sarcoglycan complex..

Allele frequency attached by ClinVar (database versions not stated): gnomAD exomes below 0.00001.
gnomAD v4.1: 4 of 1,613,814 alleles (0.00025%); highest among the groups gnomAD compares: South Asian, 0.0011%; no homozygotes.

Submission:

Labcorp Genetics (formerly Invitae), Labcorp
Classification: Uncertain significance for Autosomal recessive limb-girdle muscular dystrophy type 2E. Last evaluated: 2021-11-22. Review status: criteria provided, single submitter. Criteria: Invitae Variant Classification Sherloc (09022015). Collection method: clinical testing. Allele origin: germline.
Comment: This sequence change replaces asparagine, which is neutral and polar, with serine, which is neutral and polar, at codon 37 of the SGCB protein (p.Asn37Ser). This variant is present in population databases (no rsID available, gnomAD 0.003%). This variant has not been reported in the literature in individuals affected with SGCB-related conditions. Algorithms developed to predict the effect of missense changes on protein structure and function are either unavailable or do not agree on the potential impact of this missense change (SIFT: "Tolerated"; PolyPhen-2: "Possibly Damaging"; Align-GVGD: "Class C0"). In summary, the available evidence is currently insufficient to determine the role of this variant in disease. Therefore, it has been classified as a Variant of Uncertain Significance.